The following is an entry in ClinVar:

NM_005327.7(HADH):c.906C>G (p.Phe302Leu)

Gene: HADH (hydroxyacyl-CoA dehydrogenase; plus strand). Cytogenetic location: 4q25.
Variant type: single nucleotide variant.
Coding change: c.906C>G on transcript NM_005327.7 (MANE Select); coding-DNA position 906, C replaced by G.
Protein change: p.Phe302Leu; replaces phenylalanine 302 with leucine.
Molecular consequence: missense variant.
Genome position (GRCh38, 1-based): chr4:108,034,318, C>G. VCF-style: chr4-108034318-C-G. GRCh37 (hg19) VCF-style: chr4-108955474-C-G.
Other names: c.957C>G, p.Phe319Leu (NM_001184705.4); c.918C>G, p.Phe306Leu (NM_001331027.2); short protein forms F306L, F302L, F319L.
Identifiers: ClinVar variation 1897361 (VCV001897361.5), dbSNP rs774041111, ClinGen allele CA357830524.

ClinVar aggregate classification (germline): Uncertain significance (1 of 4 stars; one submission).

Conditions:
Deficiency of 3-hydroxyacyl-CoA dehydrogenase. Also called: 3-hydroxyacyl-CoA dehydrogenase deficiency; HADH DEFICIENCY. Identifiers: Orphanet 309127, Orphanet 71212, MedGen C1291230, MONDO:0017715, OMIM 231530.

Submission:

Labcorp Genetics (formerly Invitae), Labcorp
Classification: Uncertain significance for Deficiency of 3-hydroxyacyl-CoA dehydrogenase. Last evaluated: 2022-08-08. Review status: criteria provided, single submitter. Criteria: Invitae Variant Classification Sherloc (09022015). Collection method: clinical testing. Allele origin: germline.
Comment: In summary, the available evidence is currently insufficient to determine the role of this variant in disease. Therefore, it has been classified as a Variant of Uncertain Significance. Algorithms developed to predict the effect of missense changes on protein structure and function output the following: SIFT: "Tolerated"; PolyPhen-2: "Benign"; Align-GVGD: "Class C0". The leucine amino acid residue is found in multiple mammalian species, which suggests that this missense change does not adversely affect protein function. This variant has not been reported in the literature in individuals affected with HADH-related conditions. This variant is not present in population databases (gnomAD no frequency). This sequence change replaces phenylalanine, which is neutral and non-polar, with leucine, which is neutral and non-polar, at codon 302 of the HADH protein (p.Phe302Leu).